The following is an entry in ClinVar:

ClinVar aggregate classification (germline): Uncertain significance (1 of 4 stars; one submission).

Conditions:
Charcot-Marie-Tooth disease type 2. Also called: Charcot-Marie-Tooth type 2. Identifiers: Orphanet 64746, MedGen C0270914, MONDO:0018993.

Submission:

Labcorp Genetics (formerly Invitae), Labcorp
Classification: Uncertain significance for Charcot-Marie-Tooth disease type 2. Last evaluated: 2022-07-12. Review status: criteria provided, single submitter. Criteria: Invitae Variant Classification Sherloc (09022015). Collection method: clinical testing. Allele origin: germline.
Comment: This variant is not present in population databases (gnomAD no frequency). This sequence change replaces aspartic acid, which is acidic and polar, with tyrosine, which is neutral and polar, at codon 552 of the AARS protein (p.Asp552Tyr). This variant has not been reported in the literature in individuals affected with AARS-related conditions. Algorithms developed to predict the effect of missense changes on protein structure and function are either unavailable or do not agree on the potential impact of this missense change (SIFT: "Deleterious"; PolyPhen-2: "Possibly Damaging"; Align-GVGD: "Class C0"). In summary, the available evidence is currently insufficient to determine the role of this variant in disease. Therefore, it has been classified as a Variant of Uncertain Significance.

NM_001605.3(AARS1):c.1654G>T (p.Asp552Tyr)

Gene: AARS1 (alanyl-tRNA synthetase 1; minus strand). Cytogenetic location: 16q22.1.
Variant type: single nucleotide variant.
Coding change: c.1654G>T on transcript NM_001605.3 (MANE Select); coding-DNA position 1654, G replaced by T.
Protein change: p.Asp552Tyr; replaces aspartic acid 552 with tyrosine.
Molecular consequence: missense variant.
Genome position (GRCh38, 1-based): chr16:70,262,363, C>A on the plus strand (G>T on the coding strand, the complement: AARS1 is on the minus strand). VCF-style: chr16-70262363-C-A. GRCh37 (hg19) VCF-style: chr16-70296266-C-A.
Other names: short protein forms D552Y.
Identifiers: ClinVar variation 2141252 (VCV002141252.4), dbSNP rs2507003392, ClinGen allele CA396559917.